The following is an entry in ClinVar:

NM_198578.4(LRRK2):c.4186G>T (p.Ala1396Ser)

Gene: LRRK2 (leucine rich repeat kinase 2; plus strand). Cytogenetic location: 12q12.
Variant type: single nucleotide variant.
Coding change: c.4186G>T on transcript NM_198578.4 (MANE Select); coding-DNA position 4186, G replaced by T.
Protein change: p.Ala1396Ser; replaces alanine 1396 with serine.
Molecular consequence: missense variant.
Genome position (GRCh38, 1-based): chr12:40,308,693, G>T. VCF-style: chr12-40308693-G-T. GRCh37 (hg19) VCF-style: chr12-40702495-G-T.
Other names: short protein forms A1396S.
Identifiers: ClinVar variation 1738533 (VCV001738533.3), dbSNP rs200791042, ClinGen allele CA235353964.

ClinVar aggregate classification (germline): Uncertain significance. Review status: criteria provided, multiple submitters, no conflicts (2 of 4 stars). 2 submissions from 2 submitters: Uncertain significance (2). Last evaluated 2025-04-29.

Conditions:
Inborn genetic diseases. Identifiers: MedGen C0950123, MeSH D030342.
Autosomal dominant Parkinson disease 8. Also called: LRRK2-Related Parkinson Disease; Parkinson disease 8; Parkinson disease 8, susceptibility to. Identifiers: Orphanet 411602, MedGen C1846862, MONDO:0011764, OMIM 607060.

Allele frequency attached by ClinVar (database versions not stated): gnomAD exomes below 0.00001.
gnomAD v4.1: 2 of 1,613,200 alleles (0.00012%); highest among the groups gnomAD compares: Non-Finnish European, 0.00017%; no homozygotes.

Submissions (2):

Labcorp Genetics (formerly Invitae), Labcorp
Classification: Uncertain significance for Autosomal dominant Parkinson disease 8. Last evaluated: 2025-04-29. Review status: criteria provided, single submitter. Criteria: Invitae Variant Classification Sherloc (09022015). Collection method: clinical testing. Allele origin: germline.
Comment: This sequence change replaces alanine, which is neutral and non-polar, with serine, which is neutral and polar, at codon 1396 of the LRRK2 protein (p.Ala1396Ser). This variant is not present in population databases (gnomAD no frequency). This variant has not been reported in the literature in individuals affected with LRRK2-related conditions. ClinVar contains an entry for this variant (Variation ID: 1738533). Invitae Evidence Modeling of protein sequence and biophysical properties (such as structural, functional, and spatial information, amino acid conservation, physicochemical variation, residue mobility, and thermodynamic stability) has been performed for this missense variant. However, the output from this modeling did not meet the statistical confidence thresholds required to predict the impact of this variant on LRRK2 protein function. In summary, the available evidence is currently insufficient to determine the role of this variant in disease. Therefore, it has been classified as a Variant of Uncertain Significance.

Ambry Genetics
Classification: Uncertain significance for Inborn genetic diseases. Last evaluated: 2022-05-14. Review status: criteria provided, single submitter. Criteria: Ambry Variant Classification Scheme 2023. Collection method: clinical testing. Allele origin: germline.
Comment: The p.A1396S variant (also known as c.4186G>T), located in coding exon 29 of the LRRK2 gene, results from a G to T substitution at nucleotide position 4186. The alanine at codon 1396 is replaced by serine, an amino acid with similar properties. This amino acid position is conserved. In addition, this alteration is predicted to be tolerated by in silico analysis. Since supporting evidence is limited at this time, the clinical significance of this alteration remains unclear.